The following is an entry in ClinVar:

ClinVar aggregate classification (germline): Conflicting classifications of pathogenicity. Review status: criteria provided, conflicting classifications (1 of 4 stars). 5 submissions from 5 submitters: Uncertain significance (2); Benign (1); Likely benign (2). Last evaluated 2026-05-01.

Conditions:
Koolen-de Vries syndrome (KDVS). Identifiers: Orphanet 96169, MedGen C1864871, MONDO:0012496, OMIM 610443.

Allele frequency attached by ClinVar (database versions not stated): gnomAD 0.00001; gnomAD exomes 0.00001; TOPMed 0.00001; ExAC 0.00002; ESP Exome Variant Server 0.00008.
gnomAD v4.1: 15 of 1,614,028 alleles (0.00093%); highest among the groups gnomAD compares: East Asian, 0.0022%; no homozygotes.

Submissions (5):

CeGaT Center for Human Genetics Tuebingen
Classification: Likely benign. Last evaluated: 2026-05-01. Review status: criteria provided, single submitter. Criteria: CeGaT Center For Human Genetics Tuebingen Variant Classification Criteria Version 2. Collection method: clinical testing. Allele origin: germline. Affected: yes. Observed: 1 variant allele.
Comment: KANSL1: BP4

Labcorp Genetics (formerly Invitae), Labcorp
Classification: Benign for Koolen-de Vries syndrome. Last evaluated: 2025-05-05. Review status: criteria provided, single submitter. Criteria: Invitae Variant Classification Sherloc (09022015). Collection method: clinical testing. Allele origin: germline.

Fulgent Genetics
Classification: Uncertain significance for Koolen-de Vries syndrome. Last evaluated: 2024-01-22. Review status: criteria provided, single submitter. Criteria: ACMG Guidelines, 2015. Collection method: clinical testing. Allele origin: germline.

Centre for Mendelian Genomics, University Medical Centre Ljubljana
Classification: Uncertain significance for Koolen-de Vries syndrome. Last evaluated: 2019-03-20. Review status: criteria provided, single submitter. Criteria: ACMG Guidelines, 2015. Collection method: clinical testing. Allele origin: unknown. Affected: yes.
Comment: This variant was classified as: Uncertain significance. The available evidence on this variant's pathogenicity is insufficient or conflicting. The following ACMG criteria were applied in classifying this variant: PP3,BP1.

GeneDx
Classification: Likely benign. Last evaluated: 2018-04-24. Review status: criteria provided, single submitter. Criteria: GeneDx Variant Classification Process June 2021. Collection method: clinical testing. Allele origin: germline. Affected: yes.

NM_015443.4(KANSL1):c.2158C>T (p.Arg720Cys)

Gene: KANSL1 (KAT8 regulatory NSL complex subunit 1). Cytogenetic location: 17q21.31.
Variant type: single nucleotide variant.
Coding change: c.2158C>T on transcript NM_015443.4 (MANE Select); coding-DNA position 2158, C replaced by T.
Protein change: p.Arg720Cys; replaces arginine 720 with cysteine.
Molecular consequence: missense variant.
Genome position (GRCh38, 1-based): chr17:46,039,747, G>A on the plus strand (C>T on the coding strand, the complement: KANSL1 is on the minus strand). VCF-style: chr17-46039747-G-A. GRCh37 (hg19) VCF-style: chr17-44117113-G-A.
Other names: p.R720C:CGT>TGT; c.2158C>T, p.Arg720Cys (NM_001193465.2, NM_001193466.2, NM_001379198.1); short protein forms R720C.
Identifiers: ClinVar variation 205742 (VCV000205742.12), dbSNP rs376233499, ClinGen allele CA315113.